The following is an entry in ClinVar:

NM_000295.5(SERPINA1):c.-5+31G>T

Gene: SERPINA1 (serpin family A member 1; minus strand). Cytogenetic location: 14q32.13.
Variant type: single nucleotide variant.
Coding change: c.-5+31G>T on transcript NM_000295.5 (MANE Select); 31 bases into the intron after 5 bases upstream of the start codon, G replaced by T.
Molecular consequence: intron variant.
Genome position (GRCh38, 1-based): chr14:94,388,529, C>A on the plus strand (G>T on the coding strand, the complement: SERPINA1 is on the minus strand). VCF-style: chr14-94388529-C-A. GRCh37 (hg19) VCF-style: chr14-94854866-C-A.
Other names: c.-5+1928G>T (NM_001002235.3); c.-5+31G>T (NM_001127707.2, NM_001127706.2, NM_001127704.2 and 5 more transcripts); c.-5+1891G>T (NM_001127700.2).
Identifiers: ClinVar variation 4885818 (VCV004885818.2).
Genomic context (GRCh38, chr14:94,388,529, plus strand): 5'-ACCCCCCTCCTGCCCCAGACCTGCTGCCTGCCTGGGCCATGGGGAGCTCAGAAGCCTCTC[C>A]AGAACCTCTCGCAGTGAAAGGCATACTTACGATTCACTGTCCCAGGTCAGTGGTGGTGCC-3'

ClinVar aggregate classification (germline): Uncertain significance (1 of 4 stars; one submission).

Submission:

Dasa
Classification: Uncertain significance. Last evaluated: 2025-10-14. Review status: criteria provided, single submitter. Criteria: DASA Assertion Criteria. Collection method: clinical testing. Allele origin: germline.
Comment: NM_000295.5(SERPINA1):c.-5+31G>T is a splice-region variant predicted to affect normal RNA splicing. This variant has been observed in affected individuals with SERPINA1-related disorders. Also, this variant is rare in population databases. The currently available literature and clinical evidence are not sufficient to establish a definitive association between this variant and the reported condition. Therefore, this variant is classified as a variant of uncertain significance.